The following is an entry in ClinVar:

NM_030962.4(SBF2):c.2668C>T (p.Arg890Ter)

Genes: SBF2 (SET binding factor 2; minus strand), LOC101928008 (uncharacterized LOC101928008; plus strand). Cytogenetic location: 11p15.4.
Variant type: single nucleotide variant.
Coding change: c.2668C>T on transcript NM_030962.4 (MANE Select); coding-DNA position 2668, C replaced by T.
Protein change: p.Arg890Ter; replaces arginine 890 with a stop codon.
Molecular consequence: nonsense.
Genome position (GRCh38, 1-based): chr11:9,850,161, G>A on the plus strand (C>T on the coding strand, the complement: SBF2 is on the minus strand). VCF-style: chr11-9850161-G-A. GRCh37 (hg19) VCF-style: chr11-9871708-G-A.
Other names: c.2668C>T, p.Arg890Ter (NM_001386339.1); c.2539C>T, p.Arg847Ter (NM_001386342.1); short protein forms R890*, R847*.
Identifiers: ClinVar variation 844155 (VCV000844155.9), dbSNP rs1413469900, ClinGen allele CA379635704.
Genomic context (GRCh38, chr11:9,850,161, plus strand): 5'-GAGGGCCTCCAAGAAGACCTCCAGTAGCTTCTTCTCTTCCATCAGGATCCAGCAAGACTC[G>A]AAGACCCTCACAGACAATTTCTTCTCCTGGCAGCAGAGCAGGTCTAAGAATCTTGGGCTT-3'

ClinVar aggregate classification (germline): Pathogenic (1 of 4 stars; one submission).

Conditions:
Charcot-Marie-Tooth disease type 4. Also called: Charcot-Marie-Tooth, Type 4; Charcot-Marie-Tooth disease, type IV. Identifiers: Orphanet 64749, MedGen C4082197, MONDO:0018995.

Allele frequency attached by ClinVar (database versions not stated): gnomAD exomes below 0.00001 and 0.00001.
gnomAD v4.1: 4 of 1,614,034 alleles (0.00025%); highest among the groups gnomAD compares: Admixed American, 0.0033%; no homozygotes.

Submission:

Labcorp Genetics (formerly Invitae), Labcorp
Classification: Pathogenic for Charcot-Marie-Tooth disease type 4. Last evaluated: 2019-12-29. Review status: criteria provided, single submitter. Criteria: Invitae Variant Classification Sherloc (09022015). Collection method: clinical testing. Allele origin: germline.
Comment: For these reasons, this variant has been classified as Pathogenic. Loss-of-function variants in SBF2 are known to be pathogenic (PMID: 12687498, 25873783). This variant has not been reported in the literature in individuals with SBF2-related conditions. This variant is not present in population databases (ExAC no frequency). This sequence change creates a premature translational stop signal (p.Arg890*) in the SBF2 gene. It is expected to result in an absent or disrupted protein product.

Literature cited by the submitters: PubMed 12687498; PubMed 25873783.